The following is an entry in ClinVar:

ClinVar aggregate classification (germline): Likely benign. Review status: criteria provided, multiple submitters, no conflicts (2 of 4 stars). 3 submissions from 3 submitters: Likely benign (3). Last evaluated 2026-01-13.

Conditions:
SCN11A-related disorder. Also called: SCN11A-related condition.
Inborn genetic diseases. Identifiers: MedGen C0950123, MeSH D030342.
Hereditary sensory and autonomic neuropathy type 7. Also called: Neuropathy, hereditary sensory and autonomic, type VII; HSAN VII. Identifiers: Orphanet 391397, MedGen C3809882, MONDO:0014244, OMIM 615548.
Familial episodic pain syndrome with predominantly lower limb involvement. Also called: Episodic pain syndrome, familial, 3. Identifiers: Orphanet 391384, Orphanet 391392, MedGen C3809899, MONDO:0014247, OMIM 615552.

Allele frequency attached by ClinVar (database versions not stated): TOPMed 0.00010.
gnomAD v4.1: 114 of 1,613,936 alleles (0.0071%); highest among the groups gnomAD compares: Non-Finnish European, 0.0083%; no homozygotes.

Submissions (3):

PreventionGenetics, part of Exact Sciences
Classification: Likely benign for SCN11A-related condition. Last evaluated: 2026-01-13. Review status: criteria provided, single submitter. Criteria: ACMG Guidelines, 2015. Collection method: clinical testing. Allele origin: germline.
Comment: This variant is classified as likely benign based on ACMG/AMP sequence variant interpretation guidelines (Richards et al. 2015 PMID: 25741868, with internal and published modifications).

Labcorp Genetics (formerly Invitae), Labcorp
Classification: Likely benign for Familial episodic pain syndrome with predominantly lower limb involvement; Hereditary sensory and autonomic neuropathy type 7. Last evaluated: 2025-11-27. Review status: criteria provided, single submitter. Criteria: Invitae Variant Classification Sherloc (09022015). Collection method: clinical testing. Allele origin: germline.

Ambry Genetics
Classification: Likely benign for Inborn genetic diseases. Last evaluated: 2019-07-11. Review status: criteria provided, single submitter. Criteria: Ambry Variant Classification Scheme 2023. Collection method: clinical testing. Allele origin: germline.

NM_001349253.2(SCN11A):c.4479G>T (p.Ser1493=)

Gene: SCN11A (sodium voltage-gated channel alpha subunit 11; minus strand). Cytogenetic location: 3p22.2.
Variant type: single nucleotide variant.
Coding change: c.4479G>T on transcript NM_001349253.2 (MANE Select); coding-DNA position 4479, G replaced by T.
Protein change: p.Ser1493=; no amino-acid change (serine 1493 retained).
Molecular consequence: synonymous variant.
Genome position (GRCh38, 1-based): chr3:38,847,591, C>A on the plus strand (G>T on the coding strand, the complement: SCN11A is on the minus strand). VCF-style: chr3-38847591-C-A. GRCh37 (hg19) VCF-style: chr3-38889082-C-A.
Other names: c.4479G>T, p.Ser1493= (NM_014139.3).
Identifiers: ClinVar variation 541588 (VCV000541588.13), dbSNP rs201757165, ClinGen allele CA2321508.